The following is an entry in ClinVar:

NM_015915.5(ATL1):c.693T>C (p.Gly231=)

Gene: ATL1 (atlastin GTPase 1; plus strand). Cytogenetic location: 14q22.1.
Variant type: single nucleotide variant.
Coding change: c.693T>C on transcript NM_015915.5 (MANE Select); coding-DNA position 693, T replaced by C.
Protein change: p.Gly231=; no amino-acid change (glycine 231 retained).
Molecular consequence: synonymous variant.
Genome position (GRCh38, 1-based): chr14:50,613,321, T>C. VCF-style: chr14-50613321-T-C. GRCh37 (hg19) VCF-style: chr14-51080039-T-C.
Other names: p.Gly231=; c.693T>C, p.Gly231= (NM_001127713.1, NM_181598.4).
Identifiers: ClinVar variation 313299 (VCV000313299.31), dbSNP rs139720661, ClinGen allele CA7180319.

ClinVar aggregate classification (germline): Benign/Likely benign. Review status: criteria provided, multiple submitters, no conflicts (2 of 4 stars). 12 submissions from 11 submitters: Benign (8); Likely benign (1). 3 of the submissions do not count toward it. Last evaluated 2026-01-14.

Conditions:
ATL1-related disorder. Also called: ATL1-related condition.
Hereditary spastic paraplegia 3A (SPG3A). Also called: SPASTIC PARAPLEGIA 3, AUTOSOMAL DOMINANT; FAMILIAL SPASTIC PARAPLEGIA, AUTOSOMAL DOMINANT, 1; SPG3; STRUMPELL DISEASE; Spastic Paraplegia 3A; Spastic paraplegia 3A, autosomal dominant. Identifiers: Orphanet 100984, MedGen C2931355, MONDO:0008437, OMIM 182600.
Neuropathy, hereditary sensory, type 1D. Identifiers: Orphanet 36386, MedGen C3150972, MONDO:0013381, OMIM 613708.
Inborn genetic diseases. Identifiers: MedGen C0950123, MeSH D030342.

Allele frequency attached by ClinVar (database versions not stated): gnomAD exomes 0.00071 and 0.00194; ExAC 0.00236; TOPMed 0.00866; gnomAD 0.00739 and 0.00790; ESP Exome Variant Server 0.00976; 1000 Genomes Project 0.00998; 1000 Genomes Project 30x 0.01124.
gnomAD v4.1: 2,211 of 1,613,296 alleles (0.14%); highest among the groups gnomAD compares: African/African-American, 2.6%; 29 homozygotes.

Submissions (12):

Labcorp Genetics (formerly Invitae), Labcorp
Classification: Benign for Hereditary spastic paraplegia 3A. Last evaluated: 2026-01-14. Review status: criteria provided, single submitter. Criteria: Invitae Variant Classification Sherloc (09022015). Collection method: clinical testing. Allele origin: germline.

ARUP Laboratories, Molecular Genetics and Genomics, ARUP Laboratories
Classification: Benign. Last evaluated: 2024-04-23. Review status: criteria provided, single submitter. Criteria: ARUP Molecular Germline Variant Investigation Process 2024. Collection method: clinical testing. Allele origin: germline.

Genome-Nilou Lab
Classification: Benign for Neuropathy, hereditary sensory, type 1D. Last evaluated: 2021-12-05. Review status: criteria provided, single submitter. Criteria: ACMG Guidelines, 2015. Collection method: clinical testing. Allele origin: germline. Affected: no.

Genome-Nilou Lab
Classification: Benign for Hereditary spastic paraplegia 3A. Last evaluated: 2021-12-05. Review status: criteria provided, single submitter. Criteria: ACMG Guidelines, 2015. Collection method: clinical testing. Allele origin: germline. Affected: no.

Ambry Genetics
Classification: Likely benign for Inborn genetic diseases. Last evaluated: 2019-07-11. Review status: criteria provided, single submitter. Criteria: Ambry Variant Classification Scheme 2023. Collection method: clinical testing. Allele origin: germline.

Illumina Laboratory Services, Illumina
Classification: Benign for Hereditary spastic paraplegia 3A. Last evaluated: 2018-01-13. Review status: criteria provided, single submitter. Criteria: ICSL Variant Classification Criteria 13 December 2019. Collection method: clinical testing. Allele origin: germline.
Comment: This variant was observed in the ICSL laboratory as part of a predisposition screen in an ostensibly healthy population. It had not been previously curated by ICSL or reported in the Human Gene Mutation Database (HGMD: prior to June 1st, 2018), and was therefore a candidate for classification through an automated scoring system. Utilizing variant allele frequency, disease prevalence and penetrance estimates, and inheritance mode, an automated score was calculated to assess if this variant is too frequent to cause the disease. Based on the score and internal cut-off values, a variant classified as benign is not then subjected to further curation. The score for this variant resulted in a classification of benign for this disease.

Athena Diagnostics
Classification: Benign. Last evaluated: 2017-11-20. Review status: criteria provided, single submitter. Criteria: Athena Diagnostics Criteria. Collection method: clinical testing. Allele origin: germline.

Mayo Clinic Laboratories, Mayo Clinic
Classification: Benign. Last evaluated: 2016-10-18. Review status: criteria provided, single submitter. Criteria: ACMG Guidelines, 2015. Collection method: clinical testing. Allele origin: germline. Observed: 10 variant alleles.

GeneDx
Classification: Benign. Last evaluated: 2016-07-01. Review status: criteria provided, single submitter. Criteria: GeneDx Variant Classification (06012015). Collection method: clinical testing. Allele origin: germline. Affected: yes.
Comment: This variant is considered likely benign or benign based on one or more of the following criteria: it is a conservative change, it occurs at a poorly conserved position in the protein, it is predicted to be benign by multiple in silico algorithms, and/or has population frequency not consistent with disease.

PreventionGenetics, part of Exact Sciences
Classification: Benign for ATL1-related condition. Last evaluated: 2019-12-05. Review status: no assertion criteria provided. Collection method: clinical testing. Allele origin: germline. Not counted in ClinVar's aggregate classification.
Comment: This variant is classified as benign based on ACMG/AMP sequence variant interpretation guidelines (Richards et al. 2015 PMID: 25741868, with internal and published modifications).

Clinical Genetics DNA and cytogenetics Diagnostics Lab, Erasmus MC, Erasmus Medical Center
Classification: Benign. Review status: no assertion criteria provided. Collection method: clinical testing. Allele origin: germline. Affected: yes. Study: VKGL Data-share Consensus. Not counted in ClinVar's aggregate classification.

Clinical Genetics, Academic Medical Center
Classification: Benign. Review status: no assertion criteria provided. Collection method: clinical testing. Allele origin: germline. Affected: yes. Study: VKGL Data-share Consensus. Not counted in ClinVar's aggregate classification.